The following is an entry in ClinVar:

ClinVar aggregate classification (germline): Likely pathogenic. Review status: criteria provided, multiple submitters, no conflicts (2 of 4 stars). 2 submissions from 2 submitters: Likely pathogenic (2). Last evaluated 2022-11-23.

Conditions:
Multiple acyl-CoA dehydrogenase deficiency (MADD). Also called: Glutaric Acidemia type 2; ETHYLMALONIC-ADIPICACIDURIA; GA II; Glutaric aciduria, type 2; Glutaric acidemia type II; GA 2. Identifiers: Orphanet 26791, MedGen C0268596, MONDO:0009282, OMIM 231680.

Allele frequency attached by ClinVar (database versions not stated): gnomAD exomes below 0.00001.
gnomAD v4.1: 1 of 1,613,998 alleles (0.000062%); highest among the groups gnomAD compares: Non-Finnish European, 0.000085%; no homozygotes.

Submissions (2):

Labcorp Genetics (formerly Invitae), Labcorp
Classification: Likely pathogenic for Multiple acyl-CoA dehydrogenase deficiency. Last evaluated: 2022-11-23. Review status: criteria provided, single submitter. Criteria: Invitae Variant Classification Sherloc (09022015). Collection method: clinical testing. Allele origin: germline.
Comment: In summary, the currently available evidence indicates that the variant is pathogenic, but additional data are needed to prove that conclusively. Therefore, this variant has been classified as Likely Pathogenic. Algorithms developed to predict the effect of sequence changes on RNA splicing suggest that this variant may disrupt the consensus splice site. This variant has not been reported in the literature in individuals affected with ETFB-related conditions. This variant is not present in population databases (gnomAD no frequency). This sequence change affects a donor splice site in intron 3 of the ETFB gene. It is expected to disrupt RNA splicing. Variants that disrupt the donor or acceptor splice site typically lead to a loss of protein function (PMID: 16199547), and loss-of-function variants in ETFB are known to be pathogenic (PMID: 16510302, 23785301).

Women's Health and Genetics/Laboratory Corporation of America, LabCorp
Classification: Likely pathogenic for Multiple acyl-CoA dehydrogenase deficiency. Last evaluated: 2022-11-04. Review status: criteria provided, single submitter. Criteria: LabCorp Variant Classification Summary - May 2015. Collection method: clinical testing. Allele origin: germline.
Comment: Variant summary: ETFB c.375+1G>T is located in a canonical splice-site and is predicted to affect mRNA splicing resulting in a significantly altered protein due to either exon skipping, shortening, or inclusion of intronic material. Several computational tools predict a significant impact on normal splicing: Four predict the variant abolishes a canonical 5' splicing donor site. One predicts the variant converts this donor site into a cryptic 3' acceptor site and another predicts the variant strengthens this cryptic 3' acceptor site. However, these predictions have yet to be confirmed by functional studies. The variant was absent in 250746 control chromosomes (gnomAD). To our knowledge, no occurrence of c.375+1G>T in individuals affected with Glutaric Aciduria, Type 2b and no experimental evidence demonstrating its impact on protein function have been reported. No clinical diagnostic laboratories have submitted clinical-significance assessments for this variant to ClinVar after 2014. Based on the evidence outlined above, the variant was classified as likely pathogenic.

Literature cited by the submitters: PubMed 16199547 (cited by Labcorp Genetics (formerly Invitae), Labcorp); PubMed 16510302 (cited by Labcorp Genetics (formerly Invitae), Labcorp); PubMed 23785301 (cited by Labcorp Genetics (formerly Invitae), Labcorp).

NM_001985.3(ETFB):c.375+1G>T

Gene: ETFB (electron transfer flavoprotein subunit beta; minus strand). Cytogenetic location: 19q13.41.
Variant type: single nucleotide variant.
Coding change: c.375+1G>T on transcript NM_001985.3 (MANE Select); the canonical splice donor site of the intron after coding-DNA position 375, G replaced by T.
Molecular consequence: splice donor variant.
Genome position (GRCh38, 1-based): chr19:51,353,131, C>A on the plus strand (G>T on the coding strand, the complement: ETFB is on the minus strand). VCF-style: chr19-51353131-C-A. GRCh37 (hg19) VCF-style: chr19-51856385-C-A.
Other names: c.648+1G>T (NM_001014763.1).
Identifiers: ClinVar variation 1804737 (VCV001804737.4), dbSNP rs2514153018, ClinGen allele CA407082351.